The following is an entry in ClinVar:

NM_000179.3(MSH6):c.1795G>A (p.Gly599Arg)

Gene: MSH6 (mutS homolog 6; plus strand). Cytogenetic location: 2p16.3.
Variant type: single nucleotide variant.
Coding change: c.1795G>A on transcript NM_000179.3 (MANE Select); coding-DNA position 1795, G replaced by A.
Protein change: p.Gly599Arg; replaces glycine 599 with arginine.
Molecular consequence: missense variant. On other transcripts: non-coding transcript variant (4), intron variant (2).
Genome position (GRCh38, 1-based): chr2:47,799,778, G>A. VCF-style: chr2-47799778-G-A. GRCh37 (hg19) VCF-style: chr2-48026917-G-A.
Other names: c.1405G>A, p.Gly469Arg (NM_001281492.2); c.889G>A, p.Gly297Arg (NM_001281493.2, NM_001281494.2, NM_001406811.1 and 6 more transcripts); c.1891G>A, p.Gly631Arg (NM_001406795.1, NM_001406802.1); c.1270G>A, p.Gly424Arg (NM_001406806.1, NM_001406807.1, NM_001406799.1); c.1795G>A, p.Gly599Arg (NM_001406808.1, NM_001406809.1, NM_001406796.1 and 3 more transcripts); c.1801G>A, p.Gly601Arg (NM_001406813.1); c.1498G>A, p.Gly500Arg (NM_001406827.1, NM_001406828.1, NM_001406830.1 and 10 more transcripts); c.1606+189G>A (NM_001406817.1); and 3 more; short protein forms G500R, G601R, G631R, G543R, G573R, G297R, G424R, G469R.
Identifiers: ClinVar variation 5024848 (VCV005024848.1).
Genomic context (GRCh38, chr2:47,799,778, plus strand): 5'-TGTTCGAGATTTAGGACTCTAGTGGCACACTATCCCCCAGTACAAGTTTTATTTGAAAAA[G>A]GAAATCTCTCAAAGGAAACTAAAACAATTCTAAAGAGTTCATTGTCCTGTTCTCTTCAGG-3'
Protein context (NP_000170.1, residues 589-609): YPPVQVLFEK[Gly599Arg]NLSKETKTIL

ClinVar aggregate classification (germline): Uncertain significance (1 of 4 stars; one submission).

Conditions:
Hereditary cancer-predisposing syndrome. Also called: Neoplastic Syndromes, Hereditary; Tumor predisposition; Hereditary neoplastic syndrome; Hereditary Cancer Syndrome. Identifiers: Orphanet 140162, MedGen C0027672, MeSH D009386, MONDO:0015356.

gnomAD v4.1: 1 of 1,614,124 alleles (0.000062%); highest among the groups gnomAD compares: South Asian, 0.0011%; no homozygotes.

Submission:

Ambry Genetics
Classification: Uncertain significance for Hereditary cancer-predisposing syndrome. Last evaluated: 2026-07-06. Review status: criteria provided, single submitter. Criteria: Ambry Variant Classification Scheme 2023. Collection method: clinical testing. Allele origin: germline.
Comment: The p.G599R variant (also known as c.1795G>A), located in coding exon 4 of the MSH6 gene, results from a G to A substitution at nucleotide position 1795. The glycine at codon 599 is replaced by arginine, an amino acid with dissimilar properties. This amino acid position is highly conserved in available vertebrate species. In addition, this alteration is predicted to be deleterious by in silico analysis. Based on the available evidence, the clinical significance of this variant remains unclear.